The following is an entry in ClinVar:

NM_000128.4(F11):c.*265A>G

Genes: F11 (coagulation factor XI; plus strand), F11-AS1 (F11 antisense RNA 1; minus strand). Cytogenetic location: 4q35.2.
Variant type: single nucleotide variant.
Coding change: c.*265A>G on transcript NM_000128.4 (MANE Select); 265 bases downstream of the stop codon, A replaced by G.
Molecular consequence: 3 prime UTR variant. On other transcripts: non-coding transcript variant (1).
Genome position (GRCh38, 1-based): chr4:186,288,879, A>G. VCF-style: chr4-186288879-A-G. GRCh37 (hg19) VCF-style: chr4-187210033-A-G.
Identifiers: ClinVar variation 348382 (VCV000348382.7), dbSNP rs4253429, ClinGen allele CA10617550.
Genomic context (GRCh38, chr4:186,288,879, plus strand): 5'-ATTCAGTCTCTTTGTTTTTGATCACGCTTCTATGGAGTCCAAGAATTACCATAAGGCAAT[A>G]TTTCTGAAGATTACTATATAGGCAGATATAGCAGAAAATAACCAAGTAGTGGCAGTGGGG-3'

ClinVar aggregate classification (germline): Benign. Review status: criteria provided, multiple submitters, no conflicts (2 of 4 stars). 3 submissions from 3 submitters: Benign (3). Last evaluated 2018-11-10.

Conditions:
Hereditary factor XI deficiency disease. Also called: PLASMA THROMBOPLASTIN ANTECEDENT DEFICIENCY; PTA DEFICIENCY; ROSENTHAL SYNDROME; Congenital factor XI deficiency. Identifiers: Orphanet 329, MedGen C0015523, MeSH D005173, MONDO:0012897, OMIM 612416.

Allele frequency attached by ClinVar (database versions not stated): 1000 Genomes Project 0.12839; 1000 Genomes Project 30x 0.13117; gnomAD exomes 0.15408; gnomAD 0.16485 and 0.16938; TOPMed 0.17775.
gnomAD v4.1: 69,686 of 438,584 alleles (16%); highest among the groups gnomAD compares: Middle Eastern, 19%; 6,064 homozygotes.

Submissions (3):

GeneDx
Classification: Benign. Last evaluated: 2018-11-10. Review status: criteria provided, single submitter. Criteria: GeneDx Variant Classification Process June 2021. Collection method: clinical testing. Allele origin: germline. Affected: yes.

Illumina Laboratory Services, Illumina
Classification: Benign for Hereditary factor XI deficiency disease. Last evaluated: 2018-01-13. Review status: criteria provided, single submitter. Criteria: ICSL Variant Classification Criteria 13 December 2019. Collection method: clinical testing. Allele origin: germline.
Comment: This variant was observed in the ICSL laboratory as part of a predisposition screen in an ostensibly healthy population. It had not been previously curated by ICSL or reported in the Human Gene Mutation Database (HGMD: prior to June 1st, 2018), and was therefore a candidate for classification through an automated scoring system. Utilizing variant allele frequency, disease prevalence and penetrance estimates, and inheritance mode, an automated score was calculated to assess if this variant is too frequent to cause the disease. Based on the score and internal cut-off values, a variant classified as benign is not then subjected to further curation. The score for this variant resulted in a classification of benign for this disease.

Breakthrough Genomics
Classification: Benign. Review status: criteria provided, single submitter. Criteria: ACMG Guidelines, 2015. Collection method: not provided. Allele origin: germline. Inheritance: Unknown mechanism. Affected: yes.